The following is an entry in ClinVar:

NM_001903.5(CTNNA1):c.252G>C (p.Gln84His)

Gene: CTNNA1 (catenin alpha 1; plus strand). Cytogenetic location: 5q31.2.
Variant type: single nucleotide variant.
Coding change: c.252G>C on transcript NM_001903.5 (MANE Select); coding-DNA position 252, G replaced by C.
Protein change: p.Gln84His; replaces glutamine 84 with histidine.
Molecular consequence: missense variant. On other transcripts: intron variant (2).
Genome position (GRCh38, 1-based): chr5:138,783,323, G>C. VCF-style: chr5-138783323-G-C. GRCh37 (hg19) VCF-style: chr5-138119012-G-C.
Other names: c.252G>C, p.Gln84His (NM_001290307.3, NM_001323982.2, NM_001323983.1 and 3 more transcripts); c.-6+51G>C (NM_001290310.3); c.-9+1294G>C (NM_001290309.3); short protein forms Q84H.
Identifiers: ClinVar variation 3615731 (VCV003615731.2).

ClinVar aggregate classification (germline): Uncertain significance (1 of 4 stars; one submission).

Submission:

Labcorp Genetics (formerly Invitae), Labcorp
Classification: Uncertain significance. Last evaluated: 2024-03-18. Review status: criteria provided, single submitter. Criteria: Invitae Variant Classification Sherloc (09022015). Collection method: clinical testing. Allele origin: germline.
Comment: This sequence change replaces glutamine, which is neutral and polar, with histidine, which is basic and polar, at codon 84 of the CTNNA1 protein (p.Gln84His). This variant is not present in population databases (gnomAD no frequency). This variant has not been reported in the literature in individuals affected with CTNNA1-related conditions. Advanced modeling of protein sequence and biophysical properties (such as structural, functional, and spatial information, amino acid conservation, physicochemical variation, residue mobility, and thermodynamic stability) performed at Invitae indicates that this missense variant is not expected to disrupt CTNNA1 protein function with a negative predictive value of 80%. In summary, the available evidence is currently insufficient to determine the role of this variant in disease. Therefore, it has been classified as a Variant of Uncertain Significance.